The following is an entry in ClinVar:

NM_001042413.2(GLIS3):c.2010A>G (p.Pro670=)

Genes: GLIS3 (GLIS family zinc finger 3; minus strand), GLIS3-AS1 (GLIS3 antisense RNA 1; plus strand). Cytogenetic location: 9p24.2.
Variant type: single nucleotide variant.
Coding change: c.2010A>G on transcript NM_001042413.2 (MANE Select); coding-DNA position 2010, A replaced by G.
Protein change: p.Pro670=; no amino-acid change (proline 670 retained).
Molecular consequence: synonymous variant. On other transcripts: non-coding transcript variant (1).
Genome position (GRCh38, 1-based): chr9:3,898,809, T>C on the plus strand (A>G on the coding strand, the complement: GLIS3 is on the minus strand). VCF-style: chr9-3898809-T-C. GRCh37 (hg19) VCF-style: chr9-3898809-T-C.
Other names: c.1545A>G, p.Pro515= (NM_152629.4); c.2010A>G (NM_001042413.1).
Identifiers: ClinVar variation 2050490 (VCV002050490.5), dbSNP rs367590913, ClinGen allele CA4967983.
Genomic context (GRCh38, chr9:3,898,809, plus strand): 5'-ATCTCTAGGGGAAGTGGCCGGCTGCAGGGACTGCACGGTGAGGCAATCTGTGAGCAGGTC[T>C]GGATGGAGCTCTGTGCTGGACCGCAACTAAGAGGACAAAACGGAAGAGACATCGATAAGG-3'
Protein context (NP_001035878.1, residues 660-680): KKLRSSTELH[Pro670=]DLLTDCLTVQ

ClinVar aggregate classification (germline): Likely benign. Review status: criteria provided, multiple submitters, no conflicts (2 of 4 stars). 2 submissions from 2 submitters: Likely benign (2). Last evaluated 2026-05-09.

Conditions:
GLIS3-related disorder. Also called: GLIS3-related condition.

Allele frequency attached by ClinVar (database versions not stated): ExAC 0.00009; ESP Exome Variant Server 0.00015; gnomAD 0.00017; TOPMed 0.00018; 1000 Genomes Project 0.00020; gnomAD exomes 0.00024; 1000 Genomes Project 30x 0.00031.
gnomAD v4.1: 376 of 1,614,130 alleles (0.023%); highest among the groups gnomAD compares: Admixed American, 0.055%; no homozygotes.

Submissions (2):

PreventionGenetics, part of Exact Sciences
Classification: Likely benign for GLIS3-related condition. Last evaluated: 2026-05-09. Review status: criteria provided, single submitter. Criteria: ACMG Guidelines, 2015. Collection method: clinical testing. Allele origin: germline.
Comment: This variant is classified as likely benign based on ACMG/AMP sequence variant interpretation guidelines (Richards et al. 2015 PMID: 25741868, with internal and published modifications).

Labcorp Genetics (formerly Invitae), Labcorp
Classification: Likely benign. Last evaluated: 2025-08-13. Review status: criteria provided, single submitter. Criteria: Invitae Variant Classification Sherloc (09022015). Collection method: clinical testing. Allele origin: germline.